The following is an entry in ClinVar:

ClinVar aggregate classification (germline): Uncertain significance. Review status: criteria provided, multiple submitters, no conflicts (2 of 4 stars). 2 submissions from 2 submitters: Uncertain significance (2). Last evaluated 2023-05-30.

Conditions:
Hereditary cancer-predisposing syndrome. Also called: Neoplastic Syndromes, Hereditary; Tumor predisposition; Hereditary Cancer Syndrome; Hereditary neoplastic syndrome. Identifiers: Orphanet 140162, MedGen C0027672, MeSH D009386, MONDO:0015356.

Allele frequency attached by ClinVar (database versions not stated): gnomAD exomes below 0.00001.
gnomAD v4.1: 2 of 1,596,354 alleles (0.00013%); highest among the groups gnomAD compares: Non-Finnish European, 0.00017%; no homozygotes.

Submissions (2):

Color Diagnostics, LLC DBA Color Health
Classification: Uncertain significance for Hereditary cancer-predisposing syndrome. Last evaluated: 2023-05-30. Review status: criteria provided, single submitter. Criteria: ACMG Guidelines, 2015. Collection method: clinical testing. Allele origin: germline.
Comment: This missense variant replaces proline with serine at codon 536 of the CHEK2 protein. Computational prediction suggests that this variant may not impact protein structure and function (internally defined REVEL score threshold <= 0.5, PMID: 27666373). To our knowledge, functional studies have not been reported for this variant. This variant has not been reported in individuals affected with CHEK2-related disorders in the literature. This variant has not been identified in the general population by the Genome Aggregation Database (gnomAD). The available evidence is insufficient to determine the role of this variant in disease conclusively. Therefore, this variant is classified as a Variant of Uncertain Significance.

Ambry Genetics
Classification: Uncertain significance for Hereditary cancer-predisposing syndrome. Last evaluated: 2022-07-01. Review status: criteria provided, single submitter. Criteria: Ambry Variant Classification Scheme 2023. Collection method: clinical testing. Allele origin: germline.
Comment: The p.P536S variant (also known as c.1606C>T), located in coding exon 14 of the CHEK2 gene, results from a C to T substitution at nucleotide position 1606. The proline at codon 536 is replaced by serine, an amino acid with similar properties. This amino acid position is conserved. In addition, this alteration is predicted to be tolerated by in silico analysis. Since supporting evidence is limited at this time, the clinical significance of this alteration remains unclear.

NM_007194.4(CHEK2):c.1606C>T (p.Pro536Ser)

Gene: CHEK2 (checkpoint kinase 2; minus strand). Cytogenetic location: 22q12.1.
Variant type: single nucleotide variant.
Coding change: c.1606C>T on transcript NM_007194.4 (MANE Select); coding-DNA position 1606, C replaced by T.
Protein change: p.Pro536Ser; replaces proline 536 with serine.
Molecular consequence: missense variant.
Genome position (GRCh38, 1-based): chr22:28,687,923, G>A on the plus strand (C>T on the coding strand, the complement: CHEK2 is on the minus strand). VCF-style: chr22-28687923-G-A. GRCh37 (hg19) VCF-style: chr22-29083911-G-A.
Other names: c.1735C>T, p.Pro579Ser (NM_001005735.3); c.943C>T, p.Pro315Ser (NM_001257387.3); c.1405C>T, p.Pro469Ser (NM_001349956.3); c.1519C>T, p.Pro507Ser (NM_145862.3); short protein forms P507S, P315S, P536S, P579S, P469S.
Identifiers: ClinVar variation 1776291 (VCV001776291.3), dbSNP rs2145737342, ClinGen allele CA411091036.